The following is an entry in ClinVar:

ClinVar aggregate classification (germline): Uncertain significance (1 of 4 stars; one submission).

gnomAD v4.1: 1 of 1,607,776 alleles (0.000062%); highest among the groups gnomAD compares: Non-Finnish European, 0.000085%; no homozygotes.

Submission:

CeGaT Center for Human Genetics Tuebingen
Classification: Uncertain significance. Last evaluated: 2022-09-01. Review status: criteria provided, single submitter. Criteria: CeGaT Center For Human Genetics Tuebingen Variant Classification Criteria Version 2. Collection method: clinical testing. Allele origin: germline. Affected: yes. Observed: 1 variant allele.
Comment: ODC1: PM2, BP4

NM_002539.3(ODC1):c.6C>G (p.Asn2Lys)

Gene: ODC1 (ornithine decarboxylase 1; minus strand). Cytogenetic location: 2p25.1.
Variant type: single nucleotide variant.
Coding change: c.6C>G on transcript NM_002539.3 (MANE Select); coding-DNA position 6, C replaced by G.
Protein change: p.Asn2Lys; replaces asparagine 2 with lysine.
Molecular consequence: missense variant. On other transcripts: 5 prime UTR variant (1).
Genome position (GRCh38, 1-based): chr2:10,445,027, G>C on the plus strand (C>G on the coding strand, the complement: ODC1 is on the minus strand). VCF-style: chr2-10445027-G-C. GRCh37 (hg19) VCF-style: chr2-10585153-G-C.
Other names: c.-282C>G (NM_001287188.2); c.6C>G, p.Asn2Lys (NM_001287189.2, NM_001287190.2); short protein forms N2K.
Identifiers: ClinVar variation 2650676 (VCV002650676.24), dbSNP rs2528582094, ClinGen allele CA345816594.
Genomic context (GRCh38, chr2:10,445,027, plus strand): 5'-GTCCTTGGCAGTAAAACCTTCATCGAGGAAGTGGCAGTCAAACTCTTCATTACCAAAGTT[G>C]TTCATGATTTCTTGATGTTCCTCTGAAATGCAACAAAATGCAAATAGAGTGGAGAAATTC-3'
Protein context (NP_002530.1, residues 1-12): M[Asn2Lys]NFGNEEFDCH